The following is an entry in ClinVar:

ClinVar aggregate classification (germline): Uncertain significance (1 of 4 stars; one submission).

Allele frequency attached by ClinVar (database versions not stated): gnomAD 0.00001.
gnomAD v4.1: 1 of 1,613,992 alleles (0.000062%); no homozygotes.

Submission:

Labcorp Genetics (formerly Invitae), Labcorp
Classification: Uncertain significance. Last evaluated: 2024-04-25. Review status: criteria provided, single submitter. Criteria: Invitae Variant Classification Sherloc (09022015). Collection method: clinical testing. Allele origin: germline.
Comment: This sequence change replaces histidine, which is basic and polar, with asparagine, which is neutral and polar, at codon 830 of the NALCN protein (p.His830Asn). This variant is present in population databases (no rsID available, gnomAD 0.03%). This variant has not been reported in the literature in individuals affected with NALCN-related conditions. Advanced modeling of protein sequence and biophysical properties (such as structural, functional, and spatial information, amino acid conservation, physicochemical variation, residue mobility, and thermodynamic stability) performed at Invitae indicates that this missense variant is expected to disrupt NALCN protein function with a positive predictive value of 80%. In summary, the available evidence is currently insufficient to determine the role of this variant in disease. Therefore, it has been classified as a Variant of Uncertain Significance.

NM_052867.4(NALCN):c.2488C>A (p.His830Asn)

Gene: NALCN (sodium leak channel, non-selective; minus strand). Cytogenetic location: 13q33.1.
Variant type: single nucleotide variant.
Coding change: c.2488C>A on transcript NM_052867.4 (MANE Select); coding-DNA position 2488, C replaced by A.
Protein change: p.His830Asn; replaces histidine 830 with asparagine.
Molecular consequence: missense variant.
Genome position (GRCh38, 1-based): chr13:101,107,578, G>T on the plus strand (C>A on the coding strand, the complement: NALCN is on the minus strand). VCF-style: chr13-101107578-G-T. GRCh37 (hg19) VCF-style: chr13-101759929-G-T.
Other names: c.2575C>A, p.His859Asn (NM_001350748.2); c.2488C>A, p.His830Asn (NM_001350749.2); c.2401C>A, p.His801Asn (NM_001350750.2, NM_001350751.2); short protein forms H859N, H801N, H830N.
Identifiers: ClinVar variation 2761898 (VCV002761898.3), dbSNP rs1475371083, ClinGen allele CA388670399.